The following is an entry in ClinVar:

NM_018117.12(WDR11):c.1303G>C (p.Ala435Pro)

Gene: WDR11 (WD repeat domain 11; plus strand). Cytogenetic location: 10q26.12.
Variant type: single nucleotide variant.
Coding change: c.1303G>C on transcript NM_018117.12 (MANE Select); coding-DNA position 1303, G replaced by C.
Protein change: p.Ala435Pro; replaces alanine 435 with proline.
Molecular consequence: missense variant.
Genome position (GRCh38, 1-based): chr10:120,871,178, G>C. VCF-style: chr10-120871178-G-C. GRCh37 (hg19) VCF-style: chr10-122630690-G-C.
Other names: short protein forms A435P.
Identifiers: ClinVar variation 4293198 (VCV004293198.1).

ClinVar aggregate classification (germline): Uncertain significance (1 of 4 stars; one submission).

Conditions:
Hypogonadotropic hypogonadism 14 with or without anosmia (HH14). Also called: HYPOGONADOTROPIC HYPOGONADISM 14 WITHOUT ANOSMIA. Identifiers: Orphanet 478, MedGen C3540450, MONDO:0013926, OMIM 614858.

gnomAD v4.1: 11 of 1,614,138 alleles (0.00068%); highest among the groups gnomAD compares: East Asian, 0.016%; no homozygotes.

Submission:

3billion
Classification: Uncertain significance for Hypogonadotropic hypogonadism 14 with or without anosmia. Last evaluated: 2024-08-14. Review status: criteria provided, single submitter. Criteria: ACMG Guidelines, 2015. Collection method: clinical testing. Allele origin: germline. Affected: yes.
Comment: The variant is observed at an extremely low frequency in the gnomAD v4.0.0 dataset (total allele frequency: <0.001%). Predicted Consequence/Location: The majority of the known disease-causing variants of this gene are variants expected to result in premature termination of the protein. In silico tool predictions suggest damaging effect of the variant on gene or gene product [REVEL: 0.32 (>=0.6, sensitivity 0.68 and specificity 0.92); 3Cnet: 0.67 (>=0.6, sensitivity 0.72 and precision 0.9)]. A different missense change at the same codon (p.Ala435Thr) has been reported to be associated with WDR11 related disorder (ClinVar ID: VCV000037309 /PMID: 20887964). However the evidence of pathogenicity is insufficient at this time. Therefore, this variant is classified as VUS according to the recommendation of ACMG/AMP guideline.

Literature cited by the submitters: PubMed 20887964.